The following is an entry in ClinVar:

NM_018941.4(CLN8):c.322A>G (p.Thr108Ala)

Gene: CLN8 (CLN8 transmembrane ER and ERGIC protein; plus strand). Cytogenetic location: 8p23.3.
Variant type: single nucleotide variant.
Coding change: c.322A>G on transcript NM_018941.4 (MANE Select); coding-DNA position 322, A replaced by G.
Protein change: p.Thr108Ala; replaces threonine 108 with alanine.
Molecular consequence: missense variant.
Genome position (GRCh38, 1-based): chr8:1,771,376, A>G. VCF-style: chr8-1771376-A-G. GRCh37 (hg19) VCF-style: chr8-1719542-A-G.
Other names: short protein forms T108A.
Identifiers: ClinVar variation 2098618 (VCV002098618.4), dbSNP rs2486440813, ClinGen allele CA369953323.
Genomic context (GRCh38, chr8:1,771,376, plus strand): 5'-GACCCTGTGCTGCATGCCGACAAGGCGCGTGGCCAGCAGAACTGGTGCTGGTTTCACATC[A>G]CGACAGCAACGGGATTCTTTTGCTTTGAAAATGTTGCAGTCCACCTGTCCAACTTGATCT-3'
Protein context (NP_061764.2, residues 98-118): GQQNWCWFHI[Thr108Ala]TATGFFCFEN

ClinVar aggregate classification (germline): Uncertain significance (1 of 4 stars; one submission).

Conditions:
Neuronal ceroid lipofuscinosis. Also called: Neuronal Ceroid Lipofuscinoses. Identifiers: Orphanet 216, Orphanet 79263, MedGen C0027877, MONDO:0016295. Disease mechanism: loss of function.

Allele frequency attached by ClinVar (database versions not stated): gnomAD exomes below 0.00001.
gnomAD v4.1: 1 of 1,614,150 alleles (0.000062%); highest among the groups gnomAD compares: Non-Finnish European, 0.000085%; no homozygotes.

Submission:

Labcorp Genetics (formerly Invitae), Labcorp
Classification: Uncertain significance for Neuronal ceroid lipofuscinosis. Last evaluated: 2022-11-28. Review status: criteria provided, single submitter. Criteria: Invitae Variant Classification Sherloc (09022015). Collection method: clinical testing. Allele origin: germline.
Comment: This variant is not present in population databases (gnomAD no frequency). In summary, the available evidence is currently insufficient to determine the role of this variant in disease. Therefore, it has been classified as a Variant of Uncertain Significance. Advanced modeling of protein sequence and biophysical properties (such as structural, functional, and spatial information, amino acid conservation, physicochemical variation, residue mobility, and thermodynamic stability) performed at Invitae indicates that this missense variant is not expected to disrupt CLN8 protein function. This variant has not been reported in the literature in individuals affected with CLN8-related conditions. This sequence change replaces threonine, which is neutral and polar, with alanine, which is neutral and non-polar, at codon 108 of the CLN8 protein (p.Thr108Ala).